The following is an entry in ClinVar:

ClinVar aggregate classification (germline): Conflicting classifications of pathogenicity. Review status: criteria provided, conflicting classifications (1 of 4 stars). 2 submissions from 2 submitters: Uncertain significance (1); Likely benign (1). Last evaluated 2023-11-28.

Allele frequency attached by ClinVar (database versions not stated): gnomAD 0.00004; ExAC 0.00009; gnomAD exomes 0.00009; 1000 Genomes Project 30x 0.00016.
gnomAD v4.1: 79 of 1,584,408 alleles (0.005%); highest among the groups gnomAD compares: South Asian, 0.086%; 1 homozygote.

Submissions (2):

Labcorp Genetics (formerly Invitae), Labcorp
Classification: Uncertain significance. Last evaluated: 2023-11-28. Review status: criteria provided, single submitter. Criteria: Invitae Variant Classification Sherloc (09022015). Collection method: clinical testing. Allele origin: germline.
Comment: The COL18A1 gene has multiple clinically relevant transcripts. This variant occurs in alternate transcript NM_030582.3, and corresponds to NM_130445.2:c.107-12105G>C in the primary transcript. This sequence change replaces alanine, which is neutral and non-polar, with proline, which is neutral and non-polar, at codon 203 of the COL18A1 protein (p.Ala203Pro). This variant is present in population databases (rs771686771, gnomAD 0.08%). This variant has not been reported in the literature in individuals affected with COL18A1-related conditions. ClinVar contains an entry for this variant (Variation ID: 1463334). Experimental studies and prediction algorithms are not available or were not evaluated, and the functional significance of this variant is currently unknown. Algorithms developed to predict the effect of sequence changes on RNA splicing suggest that this variant is not likely to affect RNA splicing. In summary, the available evidence is currently insufficient to determine the role of this variant in disease. Therefore, it has been classified as a Variant of Uncertain Significance.

Blueprint Genetics
Classification: Likely benign. Last evaluated: 2023-05-24. Review status: criteria provided, single submitter. Criteria: ACMG Guidelines, 2015. Collection method: clinical testing. Allele origin: germline.

NM_001379500.1(COL18A1):c.107-12105G>C

Gene: COL18A1 (collagen type XVIII alpha 1 chain; plus strand). Cytogenetic location: 21q22.3.
Variant type: single nucleotide variant.
Coding change: c.107-12105G>C on transcript NM_001379500.1 (MANE Select); 12105 bases into the intron before coding-DNA position 107, G replaced by C.
Molecular consequence: intron variant. On other transcripts: missense variant (2).
Genome position (GRCh38, 1-based): chr21:45,456,137, G>C. VCF-style: chr21-45456137-G-C. GRCh37 (hg19) VCF-style: chr21-46876051-G-C.
Other names: c.607G>C, p.Ala203Pro (NM_030582.4, NM_130444.3); short protein forms A203P.
Identifiers: ClinVar variation 1463334 (VCV001463334.5), dbSNP rs771686771, ClinGen allele CA10065526.